The following is an entry in ClinVar:

ClinVar aggregate classification (germline): Likely benign. Review status: criteria provided, multiple submitters, no conflicts (2 of 4 stars). 2 submissions from 2 submitters: Likely benign (2). Last evaluated 2025-07-15.

Conditions:
Congenital muscular dystrophy due to integrin alpha-7 deficiency. Also called: Congenital muscular dystrophy with integrin alpha-7 deficiency; Muscular dystrophy, congenital, due to ITGA7 deficiency; MYOPATHY, CONGENITAL, DUE TO INTEGRIN ALPHA-7 DEFICIENCY. Identifiers: Orphanet 34520, MedGen C2750786, MONDO:0013177, OMIM 613204.

Allele frequency attached by ClinVar (database versions not stated): ExAC 0.00002; gnomAD exomes 0.00002 and 0.00005; TOPMed 0.00004; gnomAD 0.00006; ESP Exome Variant Server 0.00008; 1000 Genomes Project 0.00020; 1000 Genomes Project 30x 0.00031.
gnomAD v4.1: 74 of 1,614,042 alleles (0.0046%); highest among the groups gnomAD compares: Non-Finnish European, 0.0061%; no homozygotes.

Submissions (2):

Labcorp Genetics (formerly Invitae), Labcorp
Classification: Likely benign for Congenital muscular dystrophy due to integrin alpha-7 deficiency. Last evaluated: 2025-07-15. Review status: criteria provided, single submitter. Criteria: Invitae Variant Classification Sherloc (09022015). Collection method: clinical testing. Allele origin: germline.

CeGaT Center for Human Genetics Tuebingen
Classification: Likely benign. Last evaluated: 2022-08-01. Review status: criteria provided, single submitter. Criteria: CeGaT Center For Human Genetics Tuebingen Variant Classification Criteria Version 2. Collection method: clinical testing. Allele origin: germline. Affected: yes. Observed: 1 variant allele.
Comment: ITGA7: BP4, BP7

NM_002206.3(ITGA7):c.3174C>T (p.Leu1058=)

Gene: ITGA7 (integrin subunit alpha 7; minus strand). Cytogenetic location: 12q13.2.
Variant type: single nucleotide variant.
Coding change: c.3174C>T on transcript NM_002206.3 (MANE Select); coding-DNA position 3174, C replaced by T.
Protein change: p.Leu1058=; no amino-acid change (leucine 1058 retained).
Molecular consequence: synonymous variant.
Genome position (GRCh38, 1-based): chr12:55,687,980, G>A on the plus strand (C>T on the coding strand, the complement: ITGA7 is on the minus strand). VCF-style: chr12-55687980-G-A. GRCh37 (hg19) VCF-style: chr12-56081764-G-A.
Other names: c.3186C>T, p.Leu1062= (NM_001144996.2); c.2895C>T, p.Leu965= (NM_001144997.2); c.2847C>T, p.Leu949= (NM_001367993.1); c.1830C>T, p.Leu610= (NM_001367994.1); c.3156C>T, p.Leu1052= (NM_001374465.1); c.3306C>T, p.Leu1102= (NM_001410977.1); c.3168C>T, p.Leu1056= (NM_001414029.1); c.3099C>T, p.Leu1033= (NM_001414030.1); and 5 more.
Identifiers: ClinVar variation 309778 (VCV000309778.34), dbSNP rs377148751, ClinGen allele CA6615328.